The following is an entry in ClinVar:

ClinVar aggregate classification (germline): Conflicting classifications of pathogenicity. Review status: criteria provided, conflicting classifications (1 of 4 stars). 4 submissions from 4 submitters: Uncertain significance (2); Likely benign (1). 1 of the submissions does not count toward it. Last evaluated 2023-03-23.

Conditions:
Hereditary breast ovarian cancer syndrome. Also called: Hereditary breast and ovarian cancer syndrome; Hereditary breast and ovarian cancer; Hereditary breast and ovarian cancer syndrome (HBOC); Breast and ovarian cancer; Hereditary breast and/or ovarian cancer syndrome; BRCA1- and BRCA2-Associated Hereditary Breast and Ovarian Cancer. Identifiers: Orphanet 145, MedGen C0677776, MeSH D061325, MONDO:0003582. Disease mechanism: loss of function.
Hereditary cancer-predisposing syndrome. Also called: Neoplastic Syndromes, Hereditary; Tumor predisposition; Hereditary neoplastic syndrome; Hereditary Cancer Syndrome. Identifiers: Orphanet 140162, MedGen C0027672, MeSH D009386, MONDO:0015356.
Breast-ovarian cancer, familial, susceptibility to, 2 (BROVCA2). Also called: BRCA2 Hereditary Breast and Ovarian Cancer. Identifiers: Orphanet 145, MedGen C2675520, MONDO:0012933, OMIM 612555. Disease mechanism: loss of function.

Allele frequency attached by ClinVar (database versions not stated): gnomAD 0.00001 and below 0.00001.
gnomAD v4.1: 1 of 1,593,252 alleles (0.000063%); highest among the groups gnomAD compares: South Asian, 0.0012%; no homozygotes.

Submissions (4):

University of Washington Department of Laboratory Medicine, University of Washington
Classification: Likely benign for Hereditary cancer-predisposing syndrome. Last evaluated: 2023-03-23. Review status: criteria provided, single submitter. Criteria: Dines et al. (Genet Med. 2020). Collection method: curation. Allele origin: germline.
Comment: Missense variant in a coldspot region where missense variants are very unlikely to be pathogenic (PMID:31911673).

BRCA2 exon 10 coldspot. Reclassification based on statistical prior probability.

Ambry Genetics
Classification: Uncertain significance for Hereditary cancer-predisposing syndrome. Last evaluated: 2022-04-18. Review status: criteria provided, single submitter. Criteria: Ambry Variant Classification Scheme 2023. Collection method: clinical testing. Allele origin: germline.
Comment: The p.K327E variant (also known as c.979A>G), located in coding exon 9 of the BRCA2 gene, results from an A to G substitution at nucleotide position 979. The lysine at codon 327 is replaced by glutamic acid, an amino acid with similar properties. This alteration was identified in one family with multiple individuals diagnosed with breast cancer (Wagner TM et al. Hum Mol Genet, 1999 Mar;8:413-23). Of note, this alteration is also known as 1207A>G in published literature. This amino acid position is well conserved in available vertebrate species. In addition, this alteration is predicted to be tolerated by in silico analysis. Since supporting evidence is limited at this time, the clinical significance of this alteration remains unclear.

Labcorp Genetics (formerly Invitae), Labcorp
Classification: Uncertain significance for Hereditary breast ovarian cancer syndrome. Last evaluated: 2020-01-25. Review status: criteria provided, single submitter. Criteria: Invitae Variant Classification Sherloc (09022015). Collection method: clinical testing. Allele origin: germline.
Comment: This sequence change replaces lysine with glutamic acid at codon 327 of the BRCA2 protein (p.Lys327Glu). The lysine residue is moderately conserved and there is a small physicochemical difference between lysine and glutamic acid. This variant is not present in population databases (ExAC no frequency). This variant has been observed in individual(s) with breast cancer (PMID: 9971877). ClinVar contains an entry for this variant (Variation ID: 52899). Algorithms developed to predict the effect of missense changes on protein structure and function are either unavailable or do not agree on the potential impact of this missense change (SIFT: "Tolerated"; PolyPhen-2: "Possibly Damaging"; Align-GVGD: "Class C0"). In summary, the available evidence is currently insufficient to determine the role of this variant in disease. Therefore, it has been classified as a Variant of Uncertain Significance.

Breast Cancer Information Core (BIC) (BRCA2)
Classification: Uncertain significance for Breast-ovarian cancer, familial 2. Last evaluated: 1998-11-30. Review status: no assertion criteria provided. Collection method: clinical testing. Allele origin: germline. Affected: yes. Observed: 1 variant allele. Not counted in ClinVar's aggregate classification.

Literature cited by the submitters: PubMed 9971877 (cited by Ambry Genetics and Labcorp Genetics (formerly Invitae), Labcorp).

NM_000059.4(BRCA2):c.979A>G (p.Lys327Glu)

Gene: BRCA2 (BRCA2 DNA repair associated; plus strand). Cytogenetic location: 13q13.1.
Variant type: single nucleotide variant.
Coding change: c.979A>G on transcript NM_000059.4 (MANE Select); coding-DNA position 979, A replaced by G.
Protein change: p.Lys327Glu; replaces lysine 327 with glutamic acid.
Molecular consequence: missense variant.
Genome position (GRCh38, 1-based): chr13:32,332,457, A>G. VCF-style: chr13-32332457-A-G. GRCh37 (hg19) VCF-style: chr13-32906594-A-G.
Other names: short protein forms K327E.
Identifiers: ClinVar variation 52899 (VCV000052899.14), dbSNP rs80359242, ClinGen allele CA026298.